The following is an entry in ClinVar:

ClinVar aggregate classification (germline): Uncertain significance (1 of 4 stars; one submission).

Conditions:
Microcephaly 7, primary, autosomal recessive. Identifiers: Orphanet 2512, MedGen C2675187, MONDO:0012989, OMIM 612703.

Allele frequency attached by ClinVar (database versions not stated): gnomAD exomes below 0.00001.
gnomAD v4.1: 1 of 1,612,994 alleles (0.000062%); highest among the groups gnomAD compares: South Asian, 0.0011%; no homozygotes.

Submission:

3billion
Classification: Uncertain significance for Microcephaly 7, primary, autosomal recessive. Last evaluated: 2022-09-01. Review status: criteria provided, single submitter. Criteria: ACMG Guidelines, 2015. Collection method: clinical testing. Allele origin: germline. Affected: yes. Observed: 1 heterozygote.
Comment: The variant is not observed in the gnomAD v2.1.1 dataset. In silico tool predictions suggest damaging effect of the variant on gene or gene product (REVEL: 0.66; 3Cnet: 0.70). This variant is classified as uncertain significance according to the recommendation of ACMG/AMP guideline.

NM_001048166.1(STIL):c.731T>G (p.Leu244Trp)

Gene: STIL (STIL centriolar assembly protein; minus strand). Cytogenetic location: 1p33.
Variant type: single nucleotide variant.
Coding change: c.731T>G on transcript NM_001048166.1 (MANE Select); coding-DNA position 731, T replaced by G.
Protein change: p.Leu244Trp; replaces leucine 244 with tryptophan.
Molecular consequence: missense variant.
Genome position (GRCh38, 1-based): chr1:47,295,819, A>C on the plus strand (T>G on the coding strand, the complement: STIL is on the minus strand). VCF-style: chr1-47295819-A-C. GRCh37 (hg19) VCF-style: chr1-47761491-A-C.
Other names: c.731T>G, p.Leu244Trp (NM_001282936.1, NM_001282937.1, NM_003035.2); c.590T>G, p.Leu197Trp (NM_001282938.1, NM_001282939.1, NM_001377417.1); short protein forms L197W, L244W.
Identifiers: ClinVar variation 1705313 (VCV001705313.1), dbSNP rs2524863544, ClinGen allele CA340252125.